The following is an entry in ClinVar:

ClinVar aggregate classification (germline): Conflicting classifications of pathogenicity. Review status: criteria provided, conflicting classifications (1 of 4 stars). 9 submissions from 8 submitters: Uncertain significance (2); Benign (2); Likely benign (5). Last evaluated 2026-08-01.

Conditions:
Cardiovascular phenotype. Identifiers: MedGen CN230736.
Familial hypobetalipoproteinemia 1. Also called: Hypobetalipoproteinemia, normotriglyceridemic; Acanthocytosis with hypobetalipoproteinemia; APOB-Related Familial Hypobetalipoproteinemia. Identifiers: MedGen C4551990, MONDO:0014252, OMIM 615558.
Hypercholesterolemia, autosomal dominant, type B (FHCL2). Also called: APOLIPOPROTEIN B-100, FAMILIAL DEFECTIVE; APOLIPOPROTEIN B-100, FAMILIAL LIGAND-DEFECTIVE; HYPERCHOLESTEROLEMIA, FAMILIAL, DUE TO LIGAND-DEFECTIVE APOLIPOPROTEIN B; Familial Hypercholesterolemia Type B; Hyperlipoproteinemia Type IIb; Familial hypercholesterolemia 2. Identifiers: MedGen C1704417, MONDO:0007751, OMIM 144010.
Familial hypercholesterolemia. Also called: Familial hypercholesterolaemia; Familial hypercholesterolemias. Identifiers: MedGen C0020445, MONDO:0005439.

Allele frequency attached by ClinVar (database versions not stated): gnomAD exomes 0.00005 and 0.00017; ExAC 0.00018; ESP Exome Variant Server 0.00046; gnomAD 0.00055 and 0.00056; TOPMed 0.00059; 1000 Genomes Project 30x 0.00078; 1000 Genomes Project 0.00100.
gnomAD v4.1: 167 of 1,578,540 alleles (0.011%); highest among the groups gnomAD compares: African/African-American, 0.16%; 1 homozygote.

Submissions (9):

CeGaT Center for Human Genetics Tuebingen
Classification: Likely benign. Last evaluated: 2026-08-01. Review status: criteria provided, single submitter. Criteria: CeGaT Center For Human Genetics Tuebingen Variant Classification Criteria Version 2. Collection method: clinical testing. Allele origin: germline. Affected: yes. Observed: 1 variant allele.
Comment: APOB: BP4, BP7

Labcorp Genetics (formerly Invitae), Labcorp
Classification: Benign for Familial hypobetalipoproteinemia 1; Hypercholesterolemia, autosomal dominant, type B. Last evaluated: 2026-01-05. Review status: criteria provided, single submitter. Criteria: Invitae Variant Classification Sherloc (09022015). Collection method: clinical testing. Allele origin: germline.

Molecular Diagnostic Laboratory for Inherited Cardiovascular Disease, Montreal Heart Institute
Classification: Benign. Last evaluated: 2025-04-09. Review status: criteria provided, single submitter. Criteria: ACMG Guidelines, 2015. Collection method: clinical testing. Allele origin: germline. Affected: no.

Ambry Genetics
Classification: Likely benign for Cardiovascular phenotype. Last evaluated: 2024-01-29. Review status: criteria provided, single submitter. Criteria: Ambry Variant Classification Scheme 2023. Collection method: clinical testing. Allele origin: germline.

GENinCode PLC
Classification: Likely benign for Familial hypercholesterolemia. Last evaluated: 2023-08-14. Review status: criteria provided, single submitter. Criteria: ACMG Guidelines, 2015. Collection method: clinical testing. Allele origin: germline.
Comment: This is a synonymous (silent) variant that is not predicted by SpliceAI to impact splicing. In addition, it occurs at a nucleotide that is not conserved. Therefore this variant has been classified as Likely Benign (BP4, BP7).

Blueprint Genetics
Classification: Likely benign. Last evaluated: 2023-05-22. Review status: criteria provided, single submitter. Criteria: ACMG Guidelines, 2015. Collection method: clinical testing. Allele origin: germline.

Quest Diagnostics Nichols Institute San Juan Capistrano
Classification: Likely benign. Last evaluated: 2022-07-29. Review status: criteria provided, single submitter. Criteria: Quest Diagnostics criteria. Collection method: clinical testing. Allele origin: unknown.

Illumina Laboratory Services, Illumina
Classification: Uncertain significance for Familial hypobetalipoproteinemia 1. Last evaluated: 2018-01-12. Review status: criteria provided, single submitter. Criteria: ICSL Variant Classification Criteria 13 December 2019. Collection method: clinical testing. Allele origin: germline.

Illumina Laboratory Services, Illumina
Classification: Uncertain significance for Hypercholesterolemia, autosomal dominant, type B. Last evaluated: 2018-01-12. Review status: criteria provided, single submitter. Criteria: ICSL Variant Classification Criteria 13 December 2019. Collection method: clinical testing. Allele origin: germline.

NM_000384.3(APOB):c.12348T>C (p.Tyr4116=)

Gene: APOB (apolipoprotein B; minus strand). Cytogenetic location: 2p24.1.
Variant type: single nucleotide variant.
Coding change: c.12348T>C on transcript NM_000384.3 (MANE Select); coding-DNA position 12348, T replaced by C.
Protein change: p.Tyr4116=; no amino-acid change (tyrosine 4116 retained).
Molecular consequence: synonymous variant.
Genome position (GRCh38, 1-based): chr2:21,003,074, A>G on the plus strand (T>C on the coding strand, the complement: APOB is on the minus strand). VCF-style: chr2-21003074-A-G. GRCh37 (hg19) VCF-style: chr2-21225946-A-G.
Identifiers: ClinVar variation 477798 (VCV000477798.26), dbSNP rs143685680, ClinGen allele CA049971.